The following is an entry in ClinVar:

NM_001374675.1(HSF4):c.103C>T (p.His35Tyr)

Gene: HSF4 (heat shock transcription factor 4; plus strand). Cytogenetic location: 16q22.1.
Variant type: single nucleotide variant.
Coding change: c.103C>T on transcript NM_001374675.1 (MANE Select); coding-DNA position 103, C replaced by T.
Protein change: p.His35Tyr; replaces histidine 35 with tyrosine.
Molecular consequence: missense variant.
Genome position (GRCh38, 1-based): chr16:67,164,914, C>T. VCF-style: chr16-67164914-C-T. GRCh37 (hg19) VCF-style: chr16-67198817-C-T.
Other names: c.103C>T, p.His35Tyr (NM_001040667.3, NM_001374674.1, NM_001538.4); short protein forms H35Y.
Identifiers: ClinVar variation 4810252 (VCV004810252.1).
Genomic context (GRCh38, chr16:67,164,914, plus strand): 5'-AGCCCCGTGCCTGCCTTCCTCGGCAAGCTATGGGCGCTGGTGGGGGACCCAGGCACAGAC[C>T]ACCTGATCCGCTGGAGCCCGGTGAGGGCCGGGGCCCCTCGATTCCCCCTGTGGTCCCGGG-3'
Protein context (NP_001361604.1, residues 25-45): WALVGDPGTD[His35Tyr]LIRWSPSGTS

ClinVar aggregate classification (germline): Uncertain significance (1 of 4 stars; one submission).

Conditions:
Cataract 5 multiple types (CTRCT5). Also called: CATARACT 5, LAMELLAR; Lamellar cataract; CATARACT, MARNER TYPE. Identifiers: Orphanet 91492, MedGen C0266537, MONDO:0007290, OMIM 116800, HP:0007971.

gnomAD v4.1: 22 of 1,607,806 alleles (0.0014%); highest among the groups gnomAD compares: Admixed American, 0.005%; no homozygotes.

Submission:

Labcorp Genetics (formerly Invitae), Labcorp
Classification: Uncertain significance for Cataract 5 multiple types. Last evaluated: 2025-11-22. Review status: criteria provided, single submitter. Criteria: Invitae Variant Classification Sherloc (09022015). Collection method: clinical testing. Allele origin: germline.
Comment: This sequence change replaces histidine, which is basic and polar, with tyrosine, which is neutral and polar, at codon 35 of the HSF4 protein (p.His35Tyr). This variant is present in population databases (rs764934702, gnomAD 0.001%). This missense change has been observed in individuals with early onset cataracts (PMID: 25148791; internal data). Invitae Evidence Modeling of protein sequence and biophysical properties (such as structural, functional, and spatial information, amino acid conservation, physicochemical variation, residue mobility, and thermodynamic stability) indicates that this missense variant is not expected to disrupt HSF4 protein function with a negative predictive value of 80%. In summary, the available evidence is currently insufficient to determine the role of this variant in disease. Therefore, it has been classified as a Variant of Uncertain Significance.

Literature cited by the submitters: PubMed 25148791.